The following is an entry in ClinVar:

ClinVar aggregate classification (germline): Uncertain significance (1 of 4 stars; one submission).

Conditions:
Cardiovascular phenotype. Identifiers: MedGen CN230736.

Submission:

Ambry Genetics
Classification: Uncertain significance for Cardiovascular phenotype. Last evaluated: 2026-02-24. Review status: criteria provided, single submitter. Criteria: Ambry Variant Classification Scheme 2023. Collection method: clinical testing. Allele origin: germline.
Comment: The p.E271Q variant (also known as c.811G>C), located in coding exon 2 of the JPH2 gene, results from a G to C substitution at nucleotide position 811. The glutamic acid at codon 271 is replaced by glutamine, an amino acid with highly similar properties. This amino acid position is conserved. In addition, this alteration is predicted to be tolerated by in silico analysis. Based on the available evidence, the clinical significance of this variant remains unclear.

NM_020433.5(JPH2):c.811G>C (p.Glu271Gln)

Gene: JPH2 (junctophilin 2; minus strand). Cytogenetic location: 20q13.12.
Variant type: single nucleotide variant.
Coding change: c.811G>C on transcript NM_020433.5 (MANE Select); coding-DNA position 811, G replaced by C.
Protein change: p.Glu271Gln; replaces glutamic acid 271 with glutamine.
Molecular consequence: missense variant.
Genome position (GRCh38, 1-based): chr20:44,159,976, C>G on the plus strand (G>C on the coding strand, the complement: JPH2 is on the minus strand). VCF-style: chr20-44159976-C-G. GRCh37 (hg19) VCF-style: chr20-42788616-C-G.
Other names: short protein forms E271Q.
Identifiers: ClinVar variation 4826976 (VCV004826976.1).